The following is an entry in ClinVar:

ClinVar aggregate classification (germline): Conflicting classifications of pathogenicity. Review status: criteria provided, conflicting classifications (1 of 4 stars). 3 submissions from 3 submitters: Uncertain significance (2); Likely benign (1). Last evaluated 2024-10-14.

Conditions:
Epidermodysplasia verruciformis. Identifiers: Orphanet 302, MedGen C0014522, MONDO:0009176.

Allele frequency attached by ClinVar (database versions not stated): gnomAD 0.00003; TOPMed 0.00003; ESP Exome Variant Server 0.00008; gnomAD exomes 0.00010; ExAC 0.00016.
gnomAD v4.1: 74 of 1,611,298 alleles (0.0046%); highest among the groups gnomAD compares: Non-Finnish European, 0.0059%; 1 homozygote.

Submissions (3):

Blueprint Genetics
Classification: Likely benign. Last evaluated: 2024-10-14. Review status: criteria provided, single submitter. Criteria: ACMG Guidelines, 2015. Collection method: clinical testing. Allele origin: germline.

Labcorp Genetics (formerly Invitae), Labcorp
Classification: Uncertain significance for Epidermodysplasia verruciformis. Last evaluated: 2022-06-20. Review status: criteria provided, single submitter. Criteria: Invitae Variant Classification Sherloc (09022015). Collection method: clinical testing. Allele origin: germline.
Comment: This sequence change replaces arginine, which is basic and polar, with lysine, which is basic and polar, at codon 519 of the TMC8 protein (p.Arg519Lys). This variant is present in population databases (rs201514566, gnomAD 0.02%). This variant has not been reported in the literature in individuals affected with TMC8-related conditions. Algorithms developed to predict the effect of missense changes on protein structure and function output the following: SIFT: "Tolerated"; PolyPhen-2: "Benign"; Align-GVGD: "Class C0". The lysine amino acid residue is found in multiple mammalian species, which suggests that this missense change does not adversely affect protein function. In summary, the available evidence is currently insufficient to determine the role of this variant in disease. Therefore, it has been classified as a Variant of Uncertain Significance.

Breakthrough Genomics
Classification: Uncertain significance. Review status: criteria provided, single submitter. Criteria: ACMG Guidelines, 2015. Collection method: not provided. Allele origin: germline. Inheritance: Autosomal recessive inheritance. Affected: yes.

NM_152468.5(TMC8):c.1556G>A (p.Arg519Lys)

Gene: TMC8 (transmembrane channel like 8; plus strand). Cytogenetic location: 17q25.3.
Variant type: single nucleotide variant.
Coding change: c.1556G>A on transcript NM_152468.5 (MANE Select); coding-DNA position 1556, G replaced by A.
Protein change: p.Arg519Lys; replaces arginine 519 with lysine.
Molecular consequence: missense variant.
Genome position (GRCh38, 1-based): chr17:78,138,371, G>A. VCF-style: chr17-78138371-G-A. GRCh37 (hg19) VCF-style: chr17-76134452-G-A.
Other names: short protein forms R519K.
Identifiers: ClinVar variation 1358526 (VCV001358526.5), dbSNP rs201514566, ClinGen allele CA8796922.